The following is an entry in ClinVar:

ClinVar aggregate classification (germline): Uncertain significance (1 of 4 stars; one submission).

Submission:

Laboratory for Molecular Medicine, Mass General Brigham Personalized Medicine
Classification: Uncertain significance. Last evaluated: 2013-01-04. Review status: criteria provided, single submitter. Criteria: LMM Criteria. Collection method: clinical testing. Allele origin: germline. Observed: 1 variant allele.
Comment: The Pro5392Thr variant in TTN has not been reported in the literature nor previo usly identified by our laboratory. This variant has also not been identified in large and broad European American and African American populations by the NHLBI Exome Sequencing Project, which increases the likelihood that the variant is pathogenic. However, we cannot exclude that it m ay be common in other populations. Computational analyses are limited or unavail able for this variant. At this time, additional information is needed to fully a ssess the clinical significance of this variant.

NM_133379.5(TTN):c.16174C>A (p.Pro5392Thr)

Gene: TTN (titin; minus strand). Cytogenetic location: 2q31.2.
Variant type: single nucleotide variant.
Coding change: c.16174C>A on transcript NM_133379.5 (MANE Plus Clinical); coding-DNA position 16174, C replaced by A.
Protein change: p.Pro5392Thr; replaces proline 5392 with threonine.
Molecular consequence: missense variant. On other transcripts: intron variant (6).
Genome position (GRCh38, 1-based): chr2:178,746,226, G>T on the plus strand (C>A on the coding strand, the complement: TTN is on the minus strand). VCF-style: chr2-178746226-G-T. GRCh37 (hg19) VCF-style: chr2-179610953-G-T.
Other names: c.10223-4305C>A (NM_003319.4); c.10799-4305C>A (NM_133437.4); c.10598-4305C>A (NM_133432.3); c.10360+6898C>A (NM_133378.4); c.10361-4305C>A (NM_001256850.1); c.11312-4305C>A (NM_001267550.2); short protein forms P5392T.
Identifiers: ClinVar variation 47796 (VCV000047796.5), dbSNP rs397517818, ClinGen allele CA141919.
Genomic context (GRCh38, chr2:178,746,226, plus strand): 5'-TAACTTCGGGAGTCGGGATCCCTATGACTGAACATTTGAATACAGCATCTGAATTTTCTG[G>T]AATTTTAAAATCACAAATAGGCATTATAAAGCGAGGAGGCATTTCAAATACTTCTAAATC-3'